The following is an entry in ClinVar:

NM_001271803.2(REEP2):c.739A>G (p.Thr247Ala)

Gene: REEP2 (receptor accessory protein 2; plus strand). Cytogenetic location: 5q31.2.
Variant type: single nucleotide variant.
Coding change: c.739A>G on transcript NM_001271803.2 (MANE Select); coding-DNA position 739, A replaced by G.
Protein change: p.Thr247Ala; replaces threonine 247 with alanine.
Molecular consequence: missense variant. On other transcripts: non-coding transcript variant (2).
Genome position (GRCh38, 1-based): chr5:138,445,725, A>G. VCF-style: chr5-138445725-A-G. GRCh37 (hg19) VCF-style: chr5-137781414-A-G.
Other names: c.733A>G, p.Thr245Ala (NM_016606.4); c.733A>G (NM_016606.2); short protein forms T245A, T247A.
Identifiers: ClinVar variation 2737956 (VCV002737956.4), dbSNP rs752209038, ClinGen allele CA3429916.

ClinVar aggregate classification (germline): Conflicting classifications of pathogenicity. Review status: criteria provided, conflicting classifications (1 of 4 stars). 2 submissions from 2 submitters: Uncertain significance (1); Likely benign (1). Last evaluated 2025-08-31.

Conditions:
Hereditary spastic paraplegia 72 (SPG72A). Also called: Spastic paraplegia 72, autosomal recessive. Identifiers: Orphanet 401849, MedGen C5882669, MONDO:0014282, OMIM 615625.
Inborn genetic diseases. Identifiers: MedGen C0950123, MeSH D030342.

Allele frequency attached by ClinVar (database versions not stated): ExAC 0.00001; gnomAD exomes 0.00001; TOPMed 0.00006; gnomAD 0.00008.
gnomAD v4.1: 21 of 1,613,744 alleles (0.0013%); highest among the groups gnomAD compares: African/African-American, 0.025%; no homozygotes.

Submissions (2):

Ambry Genetics
Classification: Likely benign for Inborn genetic diseases. Last evaluated: 2025-08-31. Review status: criteria provided, single submitter. Criteria: Ambry Variant Classification Scheme 2023. Collection method: clinical testing. Allele origin: germline.

Labcorp Genetics (formerly Invitae), Labcorp
Classification: Uncertain significance for Hereditary spastic paraplegia 72. Last evaluated: 2022-11-17. Review status: criteria provided, single submitter. Criteria: Invitae Variant Classification Sherloc (09022015). Collection method: clinical testing. Allele origin: germline.
Comment: This sequence change replaces threonine, which is neutral and polar, with alanine, which is neutral and non-polar, at codon 247 of the REEP2 protein (p.Thr247Ala). In summary, the available evidence is currently insufficient to determine the role of this variant in disease. Therefore, it has been classified as a Variant of Uncertain Significance. Algorithms developed to predict the effect of missense changes on protein structure and function output the following: SIFT: "Tolerated"; PolyPhen-2: "Benign"; Align-GVGD: "Class C0". The alanine amino acid residue is found in multiple mammalian species, which suggests that this missense change does not adversely affect protein function. This variant has not been reported in the literature in individuals affected with REEP2-related conditions. This variant is present in population databases (rs752209038, gnomAD 0.02%).